The following is an entry in ClinVar:

ClinVar aggregate classification (germline): Pathogenic/Likely pathogenic. Review status: criteria provided, multiple submitters, no conflicts (2 of 4 stars). 2 submissions from 2 submitters: Pathogenic (1); Likely pathogenic (1). Last evaluated 2023-02-11.

Conditions:
Werner syndrome (WRN). Identifiers: Orphanet 902, MedGen C0043119, MONDO:0010196, OMIM 277700.

Submissions (2):

Baylor Genetics
Classification: Likely pathogenic for Werner syndrome. Last evaluated: 2023-02-11. Review status: criteria provided, single submitter. Criteria: ACMG Guidelines, 2015. Collection method: clinical testing. Allele origin: unknown.

Labcorp Genetics (formerly Invitae), Labcorp
Classification: Pathogenic for Werner syndrome. Last evaluated: 2021-03-29. Review status: criteria provided, single submitter. Criteria: Invitae Variant Classification Sherloc (09022015). Collection method: clinical testing. Allele origin: germline.
Comment: This sequence change creates a premature translational stop signal (p.Gln850*) in the WRN gene. It is expected to result in an absent or disrupted protein product. Loss-of-function variants in WRN are known to be pathogenic (PMID: 16673358). This variant is not present in population databases (ExAC no frequency). This variant has not been reported in the literature in individuals with WRN-related conditions. For these reasons, this variant has been classified as Pathogenic.

Literature cited by the submitters: PubMed 16673358 (cited by Labcorp Genetics (formerly Invitae), Labcorp).

NM_000553.6(WRN):c.2548C>T (p.Gln850Ter)

Gene: WRN (WRN RecQ like helicase; plus strand). Cytogenetic location: 8p12.
Variant type: single nucleotide variant.
Coding change: c.2548C>T on transcript NM_000553.6 (MANE Select); coding-DNA position 2548, C replaced by T.
Protein change: p.Gln850Ter; replaces glutamine 850 with a stop codon.
Molecular consequence: nonsense.
Genome position (GRCh38, 1-based): chr8:31,120,342, C>T. VCF-style: chr8-31120342-C-T. GRCh37 (hg19) VCF-style: chr8-30977858-C-T.
Other names: short protein forms Q850*.
Identifiers: ClinVar variation 1421724 (VCV001421724.7), dbSNP rs2130322576, ClinGen allele CA370915524.
Genomic context (GRCh38, chr8:31,120,342, plus strand): 5'-AAAGCTGACATTCGCCAAGTCATTCATTACGGTGCTCCTAAGGACATGGAATCATATTAT[C>T]AGGAGATTGGTAGAGCTGGTCGTGATGGACTTCAAAGTTCTTGTCACGTCCTCTGGGCTC-3'